The following is an entry in ClinVar:

ClinVar aggregate classification (germline): Likely benign. Review status: criteria provided, multiple submitters, no conflicts (2 of 4 stars). 5 submissions from 5 submitters: Likely benign (5). Last evaluated 2026-01-13.

Conditions:
MYO7A-related disorder. Also called: MYO7A-related disorders.
Autosomal recessive nonsyndromic hearing loss 2. Also called: DEAFNESS, AUTOSOMAL RECESSIVE 2; NEUROSENSORY NONSYNDROMIC RECESSIVE DEAFNESS 2. Identifiers: Orphanet 90636, MedGen C1838701, MONDO:0010807, OMIM 600060.
Usher syndrome type 1 (USH1). Also called: RETINITIS PIGMENTOSA AND CONGENITAL DEAFNESS. Identifiers: Orphanet 231169, Orphanet 886, MedGen C1568247, MONDO:0010168, OMIM 276900.
Autosomal dominant nonsyndromic hearing loss 11. Identifiers: Orphanet 90635, MedGen C1832475, MONDO:0011032, OMIM 601317.

Allele frequency attached by ClinVar (database versions not stated): gnomAD 0.00008 and 0.00007; gnomAD exomes 0.00010 and 0.00007; ExAC 0.00011; TOPMed 0.00011; ESP Exome Variant Server 0.00024.
gnomAD v4.1: 120 of 1,601,306 alleles (0.0075%); highest among the groups gnomAD compares: Middle Eastern, 0.033%; no homozygotes.

Submissions (5):

Labcorp Genetics (formerly Invitae), Labcorp
Classification: Likely benign. Last evaluated: 2026-01-13. Review status: criteria provided, single submitter. Criteria: Invitae Variant Classification Sherloc (09022015). Collection method: clinical testing. Allele origin: germline.

PreventionGenetics, part of Exact Sciences
Classification: Likely benign for MYO7A-related condition. Last evaluated: 2025-04-09. Review status: criteria provided, single submitter. Criteria: ACMG Guidelines, 2015. Collection method: clinical testing. Allele origin: germline.
Comment: This variant is classified as likely benign based on ACMG/AMP sequence variant interpretation guidelines (Richards et al. 2015 PMID: 25741868, with internal and published modifications).

Fulgent Genetics
Classification: Likely benign for Usher syndrome type 1; Autosomal recessive nonsyndromic hearing loss 2; Autosomal dominant nonsyndromic hearing loss 11. Last evaluated: 2021-07-28. Review status: criteria provided, single submitter. Criteria: ACMG Guidelines, 2015. Collection method: clinical testing. Allele origin: unknown.

Blueprint Genetics
Classification: Likely benign. Last evaluated: 2020-07-03. Review status: criteria provided, single submitter. Criteria: ACMG Guidelines, 2015. Collection method: clinical testing. Allele origin: germline.

Laboratory for Molecular Medicine, Mass General Brigham Personalized Medicine
Classification: Likely benign. Last evaluated: 2010-09-24. Review status: criteria provided, single submitter. Criteria: LMM Criteria. Collection method: clinical testing. Allele origin: germline. Observed: 1 variant allele.
Comment: Pro1785Pro in exon 39 of MYO7A: This variant is not expected to have clinical si gnificance because it does not alter an amino acid residue and is not located ne ar a splice junction.

NM_000260.4(MYO7A):c.5355G>A (p.Pro1785=)

Gene: MYO7A (myosin VIIA; plus strand). Cytogenetic location: 11q13.5.
Variant type: single nucleotide variant.
Coding change: c.5355G>A on transcript NM_000260.4 (MANE Select); coding-DNA position 5355, G replaced by A.
Protein change: p.Pro1785=; no amino-acid change (proline 1785 retained).
Molecular consequence: synonymous variant.
Genome position (GRCh38, 1-based): chr11:77,204,104, G>A. VCF-style: chr11-77204104-G-A. GRCh37 (hg19) VCF-style: chr11-76915149-G-A.
Other names: c.5241G>A, p.Pro1747= (NM_001127180.2); c.5208G>A, p.Pro1736= (NM_001369365.1).
Identifiers: ClinVar variation 43281 (VCV000043281.16), dbSNP rs372311564, ClinGen allele CA132383.
Genomic context (GRCh38, chr11:77,204,104, plus strand): 5'-TTCGGCACAAGCCCTTCCTTGACAGTCCCCAGCTGTGCTCAAGTACATGGGCGACTACCC[G>A]TCCAAGAGGACACGCTCCGTCAACGAGCTCACCGACCAGATCTTTGAGGGTCCCCTGAAA-3'
Protein context (NP_000251.3, residues 1775-1795): IAVLKYMGDY[Pro1785=]SKRTRSVNEL